The following is an entry in ClinVar:

ClinVar aggregate classification (germline): Uncertain significance. Review status: criteria provided, multiple submitters, no conflicts (2 of 4 stars). 11 submissions from 9 submitters: Uncertain significance (11). Last evaluated 2026-02-03.

Conditions:
TNNT2-related disorder. Also called: TNNT2-related condition.
Cardiovascular phenotype. Identifiers: MedGen CN230736.
Hypertrophic cardiomyopathy 2. Also called: TNNT2-Related Familial Hypertrophic Cardiomyopathy. Identifiers: MedGen C1861864, MONDO:0007266, OMIM 115195.
Cardiomyopathy, familial restrictive, 3. Identifiers: Orphanet 75249, MedGen C2676271, MONDO:0012900, OMIM 612422.
Dilated cardiomyopathy 1D. Identifiers: Orphanet 154, Orphanet 54260, MedGen C1832243, MONDO:0011095, OMIM 601494.
Cardiomyopathy (CMYO). Also called: Cardiomyopathies. Identifiers: Orphanet 167848, MedGen C0878544, MONDO:0004994, HP:0001638. Inheritance: Various modes of inheritance.

Allele frequency attached by ClinVar (database versions not stated): gnomAD exomes below 0.00001 and 0.00001; gnomAD 0.00001; ExAC 0.00002; TOPMed 0.00002.
gnomAD v4.1: 13 of 1,598,080 alleles (0.00081%); highest among the groups gnomAD compares: Non-Finnish European, 0.001%; no homozygotes.

Submissions (11):

PreventionGenetics, part of Exact Sciences
Classification: Uncertain significance for TNNT2-related condition. Last evaluated: 2026-02-03. Review status: criteria provided, single submitter. Criteria: ACMG Guidelines, 2015. Collection method: clinical testing. Allele origin: germline.
Comment: The TNNT2 c.805A>G variant is predicted to result in the amino acid substitution p.Asn269Asp. This variant has been reported as a variant of uncertain significance in individuals with hypertrophic cardiomyopathy (Table S1A, Walsh et al. 2017. PubMed ID: 27532257; described as p.Asn279Asp in Table S8, McGurk et al. 2023. PubMed ID: 37652022). Functional studies using human induced pluripotent stem cell-derived cardiomyocytes (hiPSC-CMs) showed that this variant does not significantly affect protein function (Figure 4G, Pettinato et al. 2020. PubMed ID: 33025817). This variant is reported in 0.0010% of alleles in individuals of European (Non-Finnish) descent in gnomAD. At this time, the clinical significance of this variant is uncertain due to the absence of conclusive functional and genetic evidence.

Labcorp Genetics (formerly Invitae), Labcorp
Classification: Uncertain significance for Cardiomyopathy, familial restrictive, 3; Hypertrophic cardiomyopathy 2; Dilated cardiomyopathy 1D. Last evaluated: 2025-12-08. Review status: criteria provided, single submitter. Criteria: Invitae Variant Classification Sherloc (09022015). Collection method: clinical testing. Allele origin: germline.
Comment: This sequence change replaces asparagine, which is neutral and polar, with aspartic acid, which is acidic and polar, at codon 269 of the TNNT2 protein (p.Asn269Asp). The frequency data for this variant in the population databases is considered unreliable, as metrics indicate poor data quality at this position in the gnomAD database. This missense change has been observed in individuals with hypertrophic cardiomyopathy and/or TNNT2-related conditions (PMID: 27532257, 37652022; internal data). ClinVar contains an entry for this variant (Variation ID: 181647). Invitae Evidence Modeling of protein sequence and biophysical properties (such as structural, functional, and spatial information, amino acid conservation, physicochemical variation, residue mobility, and thermodynamic stability) indicates that this missense variant is not expected to disrupt TNNT2 protein function with a negative predictive value of 80%. Experimental studies have shown that this missense change does not substantially affect TNNT2 function (PMID: 33025817). In summary, the available evidence is currently insufficient to determine the role of this variant in disease. Therefore, it has been classified as a Variant of Uncertain Significance.

Color Diagnostics, LLC DBA Color Health
Classification: Uncertain significance for Cardiomyopathy. Last evaluated: 2025-07-22. Review status: criteria provided, single submitter. Criteria: ACMG Guidelines, 2015. Collection method: clinical testing. Allele origin: germline.
Comment: This missense variant replaces asparagine with aspartic acid at codon 269 of the TNNT2 protein. Computational prediction suggests that this variant may not impact protein structure and function. To our knowledge, functional studies have not been reported for this variant. This variant has been reported in an individual affected with hypertrophic cardiomyopathy (PMID: 27532257, 33495597). This variant has been identified in 1/225746 chromosomes in the general population by the Genome Aggregation Database (gnomAD). The available evidence is insufficient to determine the role of this variant in disease conclusively. Therefore, this variant is classified as a Variant of Uncertain Significance.

Ambry Genetics
Classification: Uncertain significance for Cardiovascular phenotype. Last evaluated: 2024-07-31. Review status: criteria provided, single submitter. Criteria: Ambry Variant Classification Scheme 2023. Collection method: clinical testing. Allele origin: germline.
Comment: The p.N269D variant (also known as c.805A>G), located in coding exon 14 of the TNNT2 gene, results from an A to G substitution at nucleotide position 805. The asparagine at codon 269 is replaced by aspartic acid, an amino acid with highly similar properties. This alteration has been reported in individuals with hypertrophy cardiomyopathy (HCM) (Walsh R et al. Genet Med, 2017 Feb;19:192-203; Ho CY et al. Circulation, 2018 Oct;138:1387-1398l; Ambry internal data). This amino acid position is not well conserved in available vertebrate species. In addition, this alteration is predicted to be tolerated by in silico analysis. Based on the available evidence, the clinical significance of this variant remains unclear.

All of Us Research Program, National Institutes of Health
Classification: Uncertain significance for Cardiomyopathy. Last evaluated: 2024-03-24. Review status: criteria provided, single submitter. Criteria: ACMG Guidelines, 2015. Collection method: clinical testing. Allele origin: germline. Inheritance: Autosomal dominant inheritance. Observed: 4 variant alleles, 4 heterozygotes.
Comment: This missense variant replaces asparagine with aspartic acid at codon 269 of the TNNT2 protein. Computational prediction suggests that this variant may not impact protein structure and function (internally defined REVEL score threshold <= 0.5, PMID: 27666373). To our knowledge, functional studies have not been reported for this variant. This variant has been reported in an individual affected with hypertrophic cardiomyopathy (PMID: 27532257, 33495597). This variant has been identified in 1/225746 chromosomes in the general population by the Genome Aggregation Database (gnomAD). The available evidence is insufficient to determine the role of this variant in disease conclusively. Therefore, this variant is classified as a Variant of Uncertain Significance.

This study involves interpretation of variants in research participants for the purpose of population health screening. Participant phenotype was not available at the time of variant classification. Additional details can be found in publication PMID: 35346344, PMCID: PMC8962531

Genome-Nilou Lab
Classification: Uncertain significance for Dilated cardiomyopathy 1D. Last evaluated: 2023-04-11. Review status: criteria provided, single submitter. Criteria: ACMG Guidelines, 2015. Collection method: clinical testing. Allele origin: germline. Affected: no.

Genome-Nilou Lab
Classification: Uncertain significance for Cardiomyopathy, familial restrictive, 3. Last evaluated: 2023-04-11. Review status: criteria provided, single submitter. Criteria: ACMG Guidelines, 2015. Collection method: clinical testing. Allele origin: germline. Affected: no.

Genome-Nilou Lab
Classification: Uncertain significance for Hypertrophic cardiomyopathy 2. Last evaluated: 2023-04-11. Review status: criteria provided, single submitter. Criteria: ACMG Guidelines, 2015. Collection method: clinical testing. Allele origin: germline. Affected: no.

Blueprint Genetics
Classification: Uncertain significance. Last evaluated: 2018-11-21. Review status: criteria provided, single submitter. Criteria: ACMG Guidelines, 2015. Collection method: clinical testing. Allele origin: germline.

Stanford Center for Inherited Cardiovascular Disease, Stanford University
Classification: Uncertain significance. Last evaluated: 2017-06-12. Review status: criteria provided, single submitter. Criteria: ACMG Guidelines, 2015. Collection method: provider interpretation. Allele origin: germline.

CHEO Genetics Diagnostic Laboratory, Children's Hospital of Eastern Ontario
Classification: Uncertain significance for Cardiomyopathy. Last evaluated: 2016-04-28. Review status: criteria provided, single submitter. Criteria: ACMG Guidelines, 2015. Collection method: clinical testing. Allele origin: germline. Study: Canadian Open Genetics Repository.

Literature cited by the submitters: PubMed 27532257 (cited by 4 submitters); PubMed 37652022 (cited by Labcorp Genetics (formerly Invitae), Labcorp); PubMed 33025817 (cited by Labcorp Genetics (formerly Invitae), Labcorp); PubMed 33495597 (cited by Color Diagnostics, LLC DBA Color Health and All of Us Research Program, National Institutes of Health); PubMed 22958901 (cited by Ambry Genetics); PubMed 30297972 (cited by Ambry Genetics).

NM_001276345.2(TNNT2):c.835A>G (p.Asn279Asp)

Gene: TNNT2 (troponin T2, cardiac type; minus strand). Cytogenetic location: 1q32.1.
Variant type: single nucleotide variant.
Coding change: c.835A>G on transcript NM_001276345.2 (MANE Select); coding-DNA position 835, A replaced by G.
Protein change: p.Asn279Asp; replaces asparagine 279 with aspartic acid.
Molecular consequence: missense variant.
Genome position (GRCh38, 1-based): chr1:201,359,639, T>C on the plus strand (A>G on the coding strand, the complement: TNNT2 is on the minus strand). VCF-style: chr1-201359639-T-C. GRCh37 (hg19) VCF-style: chr1-201328767-T-C.
Other names: c.826A>G, p.Asn276Asp (NM_000364.4); c.805A>G, p.Asn269Asp (NM_001001430.3, NM_001276347.2); c.796A>G, p.Asn266Asp (NM_001001431.3); c.787A>G, p.Asn263Asp (NM_001001432.3); c.706A>G, p.Asn236Asp (NM_001276346.2); short protein forms N269D, N276D, N236D, N263D, N266D, N279D.
Identifiers: ClinVar variation 181647 (VCV000181647.28), dbSNP rs4523540, ClinGen allele CA005159.